The following is an entry in ClinVar:

ClinVar aggregate classification (germline): Uncertain significance (1 of 4 stars; one submission).

Conditions:
Naxos disease (NXD). Also called: KERATOSIS PALMOPLANTARIS WITH ARRHYTHMOGENIC CARDIOMYOPATHY; MAL DE NAXOS; PALMOPLANTAR KERATODERMA WITH ARRHYTHMOGENIC RIGHT VENTRICULAR CARDIOMYOPATHY AND WOOLLY HAIR; WOOLLY HAIR, PALMOPLANTAR KERATODERMA, AND CARDIAC ABNORMALITIES; CARDIOMYOPATHY, ARRHYTHMOGENIC RIGHT VENTRICULAR, WITH SKIN, HAIR, AND NAIL ABNORMALITIES. Identifiers: Orphanet 34217, MedGen C1832600, MONDO:0011017, OMIM 601214.
Arrhythmogenic right ventricular dysplasia 12. Also called: ARRHYTHMOGENIC RIGHT VENTRICULAR DYSPLASIA, FAMILIAL, 12. Identifiers: MedGen C1969081, MONDO:0012684, OMIM 611528.

Submission:

Labcorp Genetics (formerly Invitae), Labcorp
Classification: Uncertain significance for Arrhythmogenic right ventricular dysplasia 12; Naxos disease. Last evaluated: 2022-10-05. Review status: criteria provided, single submitter. Criteria: Invitae Variant Classification Sherloc (09022015). Collection method: clinical testing. Allele origin: germline.
Comment: This variant is not present in population databases (gnomAD no frequency). In summary, the available evidence is currently insufficient to determine the role of this variant in disease. Therefore, it has been classified as a Variant of Uncertain Significance. Variants that disrupt the consensus splice site are a relatively common cause of aberrant splicing (PMID: 17576681, 9536098). Algorithms developed to predict the effect of sequence changes on RNA splicing suggest that this variant is not likely to affect RNA splicing. This variant has not been reported in the literature in individuals affected with JUP-related conditions. This sequence change falls in intron 9 of the JUP gene. It does not directly change the encoded amino acid sequence of the JUP protein. It affects a nucleotide within the consensus splice site.

Literature cited by the submitters: PubMed 17576681; PubMed 9536098.

NM_002230.4(JUP):c.1653+5G>C

Gene: JUP (junction plakoglobin; minus strand). Cytogenetic location: 17q21.2.
Variant type: single nucleotide variant.
Coding change: c.1653+5G>C on transcript NM_002230.4 (MANE Select); 5 bases into the intron after coding-DNA position 1653, G replaced by C.
Molecular consequence: intron variant.
Genome position (GRCh38, 1-based): chr17:41,758,710, C>G on the plus strand (G>C on the coding strand, the complement: JUP is on the minus strand). VCF-style: chr17-41758710-C-G. GRCh37 (hg19) VCF-style: chr17-39914962-C-G.
Other names: c.1653+5G>C (NM_001352774.2, NM_021991.4, NM_001352776.2 and 3 more transcripts).
Identifiers: ClinVar variation 2034210 (VCV002034210.4), dbSNP rs2544054718, ClinGen allele CA2580093698.